The following is an entry in ClinVar:

NM_000059.4(BRCA2):c.4954G>T (p.Ala1652Ser)

Gene: BRCA2 (BRCA2 DNA repair associated; plus strand). Cytogenetic location: 13q13.1.
Variant type: single nucleotide variant.
Coding change: c.4954G>T on transcript NM_000059.4 (MANE Select); coding-DNA position 4954, G replaced by T.
Protein change: p.Ala1652Ser; replaces alanine 1652 with serine.
Molecular consequence: missense variant. On other transcripts: non-coding transcript variant (1), intron variant (2).
Genome position (GRCh38, 1-based): chr13:32,339,309, G>T. VCF-style: chr13-32339309-G-T. GRCh37 (hg19) VCF-style: chr13-32913446-G-T.
Other names: c.4954G>T, p.Ala1652Ser (NM_001406719.1, NM_001406720.1, NM_001432077.1); c.1910-5249G>T (NM_001406721.1); c.425-5249G>T (NM_001406722.1); short protein forms A1652S.
Identifiers: ClinVar variation 3620877 (VCV003620877.2).

ClinVar aggregate classification (germline): Uncertain significance (1 of 4 stars; one submission).

Conditions:
Hereditary breast ovarian cancer syndrome. Also called: Hereditary breast and ovarian cancer; Hereditary breast and ovarian cancer syndrome (HBOC); Hereditary breast and/or ovarian cancer syndrome; Hereditary breast and ovarian cancer syndrome; Breast and ovarian cancer; BRCA1- and BRCA2-Associated Hereditary Breast and Ovarian Cancer. Identifiers: Orphanet 145, MedGen C0677776, MeSH D061325, MONDO:0003582. Disease mechanism: loss of function.

Submission:

Labcorp Genetics (formerly Invitae), Labcorp
Classification: Uncertain significance for Hereditary breast ovarian cancer syndrome. Last evaluated: 2025-01-13. Review status: criteria provided, single submitter. Criteria: Invitae Variant Classification Sherloc (09022015). Collection method: clinical testing. Allele origin: germline.
Comment: This sequence change replaces alanine, which is neutral and non-polar, with serine, which is neutral and polar, at codon 1652 of the BRCA2 protein (p.Ala1652Ser). This variant is not present in population databases (gnomAD no frequency). This variant has not been reported in the literature in individuals affected with BRCA2-related conditions. Invitae Evidence Modeling of protein sequence and biophysical properties (such as structural, functional, and spatial information, amino acid conservation, physicochemical variation, residue mobility, and thermodynamic stability) indicates that this missense variant is not expected to disrupt BRCA2 protein function with a negative predictive value of 95%. In summary, the available evidence is currently insufficient to determine the role of this variant in disease. Therefore, it has been classified as a Variant of Uncertain Significance.